The following is an entry in ClinVar:

NM_012470.4(TNPO3):c.1342G>T (p.Ala448Ser)

Gene: TNPO3 (transportin 3; minus strand). Cytogenetic location: 7q32.1.
Variant type: single nucleotide variant.
Coding change: c.1342G>T on transcript NM_012470.4 (MANE Select); coding-DNA position 1342, G replaced by T.
Protein change: p.Ala448Ser; replaces alanine 448 with serine.
Molecular consequence: missense variant. On other transcripts: non-coding transcript variant (16).
Genome position (GRCh38, 1-based): chr7:128,992,015, C>A on the plus strand (G>T on the coding strand, the complement: TNPO3 is on the minus strand). VCF-style: chr7-128992015-C-A. GRCh37 (hg19) VCF-style: chr7-128632069-C-A.
Other names: c.1342G>T, p.Ala448Ser (NM_001191028.3, NM_001382216.1, NM_001382218.1 and 2 more transcripts); c.1423G>T, p.Ala475Ser (NM_001382217.1); c.1234G>T, p.Ala412Ser (NM_001382219.1); c.1198G>T, p.Ala400Ser (NM_001382221.1); c.1195G>T, p.Ala399Ser (NM_001382222.1); short protein forms A400S, A448S, A412S, A399S, A475S.
Identifiers: ClinVar variation 4717293 (VCV004717293.1).

ClinVar aggregate classification (germline): Uncertain significance (1 of 4 stars; one submission).

Conditions:
Autosomal dominant limb-girdle muscular dystrophy type 1F (LGMDD2). Also called: Limb-girdle muscular dystrophy, type 1F; MUSCULAR DYSTROPHY, LIMB-GIRDLE, AUTOSOMAL DOMINANT 2. Identifiers: Orphanet 55595, MedGen C1842062, MONDO:0012034, OMIM 608423.

Submission:

Labcorp Genetics (formerly Invitae), Labcorp
Classification: Uncertain significance for Autosomal dominant limb-girdle muscular dystrophy type 1F. Last evaluated: 2025-04-17. Review status: criteria provided, single submitter. Criteria: Invitae Variant Classification Sherloc (09022015). Collection method: clinical testing. Allele origin: germline.
Comment: This sequence change replaces alanine, which is neutral and non-polar, with serine, which is neutral and polar, at codon 448 of the TNPO3 protein (p.Ala448Ser). This variant is not present in population databases (gnomAD no frequency). This variant has not been reported in the literature in individuals affected with TNPO3-related conditions. Invitae Evidence Modeling of protein sequence and biophysical properties (such as structural, functional, and spatial information, amino acid conservation, physicochemical variation, residue mobility, and thermodynamic stability) indicates that this missense variant is not expected to disrupt TNPO3 protein function with a negative predictive value of 80%. In summary, the available evidence is currently insufficient to determine the role of this variant in disease. Therefore, it has been classified as a Variant of Uncertain Significance.